The following is an entry in ClinVar:

ClinVar aggregate classification (germline): Pathogenic (1 of 4 stars; one submission).

Submission:

Labcorp Genetics (formerly Invitae), Labcorp
Classification: Pathogenic. Last evaluated: 2023-03-07. Review status: criteria provided, single submitter. Criteria: Invitae Variant Classification Sherloc (09022015). Collection method: clinical testing. Allele origin: germline.
Comment: For these reasons, this variant has been classified as Pathogenic. This variant has not been reported in the literature in individuals affected with CNGB3-related conditions. This variant is not present in population databases (gnomAD no frequency). This sequence change creates a premature translational stop signal (p.Gln648Argfs*33) in the CNGB3 gene. It is expected to result in an absent or disrupted protein product. Loss-of-function variants in CNGB3 are known to be pathogenic (PMID: 28795510).

Literature cited by the submitters: PubMed 28795510.

NM_019098.5(CNGB3):c.1943del (p.Gln648fs)

Gene: CNGB3 (cyclic nucleotide gated channel subunit beta 3; minus strand). Cytogenetic location: 8q21.3.
Variant type: Deletion.
Coding change: c.1943del on transcript NM_019098.5 (MANE Select); coding-DNA position 1943, one base deleted (A; older notation c.1943delA).
Protein change: p.Gln648fs; shifts the reading frame from glutamine 648.
Molecular consequence: frameshift variant.
Genome position (GRCh38, 1-based): chr8:86,578,849, T deleted on the plus strand (A on the coding strand, the reverse complement: CNGB3 is on the minus strand). VCF-style (leftmost placement, unchanged base first): chr8-86578848-CT-C. GRCh37 (hg19) VCF-style: chr8-87591076-CT-C.
Other names: short protein forms Q648fs.
Identifiers: ClinVar variation 2843378 (VCV002843378.3), dbSNP rs2538028093, ClinGen allele CA2739268867.
Genomic context (GRCh38, chr8:86,578,848, plus strand): 5'-CGGTGGGAAGAGGAGGGCAAGATCTTTTCTTGGAGGGGTTGCTTCTGCGGTCTTAGCCTT[CT>C]GCTTTAAAAGCACTCTGTGGGTAAGAGAGAAAAGCTGTTTTAGGTAACTCTGTGAGAGTT-3'